The following is an entry in ClinVar:

NM_004982.4(KCNJ8):c.55G>T (p.Ala19Ser)

Genes: KCNJ8-AS1 (KCNJ8 antisense RNA 1; plus strand), KCNJ8 (potassium inwardly rectifying channel subfamily J member 8; minus strand). Cytogenetic location: 12p12.1.
Variant type: single nucleotide variant.
Coding change: c.55G>T on transcript NM_004982.4 (MANE Select); coding-DNA position 55, G replaced by T.
Protein change: p.Ala19Ser; replaces alanine 19 with serine.
Molecular consequence: missense variant.
Genome position (GRCh38, 1-based): chr12:21,773,562, C>A on the plus strand (G>T on the coding strand, the complement: KCNJ8 is on the minus strand). VCF-style: chr12-21773562-C-A. GRCh37 (hg19) VCF-style: chr12-21926496-C-A.
Identifiers: ClinVar variation 2451396 (VCV002451396.2), dbSNP rs776266885, ClinGen allele CA384132588.
Genomic context (GRCh38, chr12:21,773,562, plus strand): 5'-TGGCGATGAAGCGGGCTTTGGGGAGGCGGTCTCGGATGCGCGGCTTGCGCAGGTTCTCTG[C>A]GGCGATGCGCGCCAGCACATACTCCTCCGGGATGATACTCTTTCTGGCCAACATCGTCCT-3'
Protein context (NP_004973.1, residues 9-29): PEEYVLARIA[Ala19Ser]ENLRKPRIRD

ClinVar aggregate classification (germline): Uncertain significance (1 of 4 stars; one submission).

Conditions:
Cardiovascular phenotype. Identifiers: MedGen CN230736.

Submission:

Ambry Genetics
Classification: Uncertain significance for Cardiovascular phenotype. Last evaluated: 2022-12-25. Review status: criteria provided, single submitter. Criteria: Ambry Variant Classification Scheme 2023. Collection method: clinical testing. Allele origin: germline.
Comment: The p.A19S variant (also known as c.55G>T), located in coding exon 1 of the KCNJ8 gene, results from a G to T substitution at nucleotide position 55. The alanine at codon 19 is replaced by serine, an amino acid with similar properties. This amino acid position is conserved. In addition, this alteration is predicted to be tolerated by in silico analysis. Since supporting evidence is limited at this time, the clinical significance of this alteration remains unclear.